The following is an entry in ClinVar:

ClinVar aggregate classification (germline): Benign/Likely benign. Review status: criteria provided, multiple submitters, no conflicts (2 of 4 stars). 3 submissions from 3 submitters: Benign (1); Likely benign (2). Last evaluated 2025-10-09.

Conditions:
Skeletal overgrowth-craniofacial dysmorphism-hyperelastic skin-white matter lesions syndrome. Also called: SKELETAL OVERGROWTH WITH FACIAL DYSMORPHISM, HYPERELASTIC SKIN, WHITE MATTER LESIONS, AND NEUROLOGIC DETERIORATION; Kosaki overgrowth syndrome. Identifiers: Orphanet 477831, MedGen C4225270, MONDO:0014704, OMIM 616592.
Acroosteolysis-keloid-like lesions-premature aging syndrome. Also called: Premature aging syndrome, Penttinen type; Prematurely aged appearance, delayed bone maturation, acro-osteolysis, and brachydactyly; Progeroid syndrome, Penttinen type. Identifiers: Orphanet 363665, MedGen C1866182, MONDO:0011150, OMIM 601812.
Infantile myofibromatosis (IMF). Also called: Congenital generalized fibromatosis. Identifiers: Orphanet 2591, MedGen C0432284, MONDO:0016824.
Basal ganglia calcification, idiopathic, 4 (PFBC4). Also called: PRIMARY FAMILIAL BRAIN CALCIFICATION 4, AUTOSOMAL DOMINANT; Familial Idiopathic Basal Ganglia Calcification 4. Identifiers: Orphanet 1980, MedGen C3554321, MONDO:0014004, OMIM 615007.

Allele frequency attached by ClinVar (database versions not stated): gnomAD exomes 0.00023 and 0.00015; ESP Exome Variant Server 0.00008; gnomAD 0.00015; ExAC 0.00022; 1000 Genomes Project 0.00060; 1000 Genomes Project 30x 0.00062; TOPMed 0.00025.

Submissions (3):

Labcorp Genetics (formerly Invitae), Labcorp
Classification: Benign for Basal ganglia calcification, idiopathic, 4; Skeletal overgrowth-craniofacial dysmorphism-hyperelastic skin-white matter lesions syndrome; Infantile myofibromatosis; Acroosteolysis-keloid-like lesions-premature aging syndrome. Last evaluated: 2025-10-09. Review status: criteria provided, single submitter. Criteria: Invitae Variant Classification Sherloc (09022015). Collection method: clinical testing. Allele origin: germline.

CeGaT Center for Human Genetics Tuebingen
Classification: Likely benign. Last evaluated: 2025-10-01. Review status: criteria provided, single submitter. Criteria: CeGaT Center For Human Genetics Tuebingen Variant Classification Criteria Version 2. Collection method: clinical testing. Allele origin: germline. Affected: yes. Observed: 1 variant allele.
Comment: PDGFRB: BP4, BP7

Blueprint Genetics
Classification: Likely benign. Last evaluated: 2024-09-15. Review status: criteria provided, single submitter. Criteria: ACMG Guidelines, 2015. Collection method: clinical testing. Allele origin: germline.

NM_002609.4(PDGFRB):c.3270G>A (p.Pro1090=)

Gene: PDGFRB (platelet derived growth factor receptor beta; minus strand). Cytogenetic location: 5q32.
Variant type: single nucleotide variant.
Coding change: c.3270G>A on transcript NM_002609.4 (MANE Select); coding-DNA position 3270, G replaced by A.
Protein change: p.Pro1090=; no amino-acid change (proline 1090 retained).
Molecular consequence: synonymous variant.
Genome position (GRCh38, 1-based): chr5:150,115,814, C>T on the plus strand (G>A on the coding strand, the complement: PDGFRB is on the minus strand). VCF-style: chr5-150115814-C-T. GRCh37 (hg19) VCF-style: chr5-149495377-C-T.
Other names: c.3078G>A, p.Pro1026= (NM_001355016.2); c.2787G>A, p.Pro929= (NM_001355017.2).
Identifiers: ClinVar variation 767571 (VCV000767571.17), dbSNP rs183852315, ClinGen allele CA3507367.